The following is an entry in ClinVar:

NM_201384.3(PLEC):c.11380G>A (p.Glu3794Lys)

Gene: PLEC (plectin; minus strand). Cytogenetic location: 8q24.3.
Variant type: single nucleotide variant.
Coding change: c.11380G>A on transcript NM_201384.3 (MANE Select); coding-DNA position 11380, G replaced by A.
Protein change: p.Glu3794Lys; replaces glutamic acid 3794 with lysine.
Molecular consequence: missense variant.
Genome position (GRCh38, 1-based): chr8:143,918,441, C>T on the plus strand (G>A on the coding strand, the complement: PLEC is on the minus strand). VCF-style: chr8-143918441-C-T. GRCh37 (hg19) VCF-style: chr8-144992609-C-T.
Other names: c.11392G>A, p.Glu3798Lys (NM_201383.3); c.11461G>A, p.Glu3821Lys (NM_000445.5); c.11338G>A, p.Glu3780Lys (NM_201378.4); c.11314G>A, p.Glu3772Lys (NM_201379.3); c.11791G>A, p.Glu3931Lys (NM_201380.4); c.11284G>A, p.Glu3762Lys (NM_201381.3); c.11380G>A, p.Glu3794Lys (NM_201382.4); short protein forms E3762K, E3772K, E3780K, E3794K, E3798K, E3821K, E3931K.
Identifiers: ClinVar variation 1020471 (VCV001020471.9), dbSNP rs782456612, ClinGen allele CA372491086.
Genomic context (GRCh38, chr8:143,918,441, plus strand): 5'-GGCGGGGGTCCACGATGCCGCCGGTGGCCAGCTGGGCATCCAGCAGCCGCAGGGCCTCCT[C>T]AGTAGGGATCAGCTCCTTCTTCATGGCCTGGAAGAGCGAGATGGTCTGCTCGGTGTAGGG-3'
Protein context (NP_958786.1, residues 3784-3804): QAMKKELIPT[Glu3794Lys]EALRLLDAQL

ClinVar aggregate classification (germline): Uncertain significance (1 of 4 stars; one submission).

Conditions:
Epidermolysis bullosa simplex with nail dystrophy (EBS5D). Identifiers: MedGen C4225309, MONDO:0014661, OMIM 616487.
Epidermolysis bullosa simplex 5B, with muscular dystrophy (EBS5B). Also called: EPIDERMOLYSIS BULLOSA SIMPLEX AND LIMB-GIRDLE MUSCULAR DYSTROPHY; Epidermolysis bullosa simplex with muscular dystrophy. Identifiers: Orphanet 257, MedGen C2931072, MONDO:0009181, OMIM 226670.
Epidermolysis bullosa simplex, Ogna type (EBS5A). Also called: Pidermolysis bullosa simplex 5A, Ogna type; EPIDERMOLYSIS BULLOSA SIMPLEX 5A, OGNA TYPE. Identifiers: Orphanet 79401, MedGen C0432317, MONDO:0007555, OMIM 131950.
Epidermolysis bullosa simplex 5C, with pyloric atresia (EBS5C). Also called: PLEC-Related Epidermolysis Bullosa with Pyloric Atresia; Epidermolysis bullosa simplex with pyloric atresia; PLEC1-Related Epidermolysis Bullosa with Pyloric Atresia. Identifiers: Orphanet 158684, MedGen C2677349, MONDO:0012807, OMIM 612138.
Autosomal recessive limb-girdle muscular dystrophy type 2Q (LGMDR17). Also called: MUSCULAR DYSTROPHY, LIMB-GIRDLE, AUTOSOMAL RECESSIVE 17. Identifiers: Orphanet 254361, MedGen C3150989, MONDO:0013390, OMIM 613723.

Allele frequency attached by ClinVar (database versions not stated): TOPMed below 0.00001; gnomAD exomes 0.00001.
gnomAD v4.1: 10 of 1,583,072 alleles (0.00063%); highest among the groups gnomAD compares: Non-Finnish European, 0.00086%; no homozygotes.

Submission:

Labcorp Genetics (formerly Invitae), Labcorp
Classification: Uncertain significance for Autosomal recessive limb-girdle muscular dystrophy type 2Q; Epidermolysis bullosa simplex, Ogna type; Epidermolysis bullosa simplex with nail dystrophy; Epidermolysis bullosa simplex 5C, with pyloric atresia; Epidermolysis bullosa simplex 5B, with muscular dystrophy. Last evaluated: 2022-08-09. Review status: criteria provided, single submitter. Criteria: Invitae Variant Classification Sherloc (09022015). Collection method: clinical testing. Allele origin: germline.
Comment: In summary, the available evidence is currently insufficient to determine the role of this variant in disease. Therefore, it has been classified as a Variant of Uncertain Significance. Algorithms developed to predict the effect of missense changes on protein structure and function are either unavailable or do not agree on the potential impact of this missense change (SIFT: "Tolerated"; PolyPhen-2: "Probably Damaging"; Align-GVGD: "Class C15"). ClinVar contains an entry for this variant (Variation ID: 1020471). This variant has not been reported in the literature in individuals affected with PLEC-related conditions. The frequency data for this variant in the population databases is considered unreliable, as metrics indicate poor data quality at this position in the gnomAD database. This sequence change replaces glutamic acid, which is acidic and polar, with lysine, which is basic and polar, at codon 3821 of the PLEC protein (p.Glu3821Lys).